The following is an entry in ClinVar:

ClinVar aggregate classification (germline): not provided (0 of 4 stars; one submission).

Allele frequency attached by ClinVar (database versions not stated): gnomAD 0.00001; gnomAD exomes below 0.00001; TOPMed 0.00001.
gnomAD v4.1: 4 of 1,613,546 alleles (0.00025%); highest among the groups gnomAD compares: Non-Finnish European, 0.00025%; no homozygotes.

Submission:

ITMI
No classification provided. Condition: AllHighlyPenetrant. Last evaluated: 2013-09-19. Review status: no classification provided. Collection method: reference population. Allele origin: germline.
Comment: Please see associated publication for description of ethnicities

Literature cited by the submitters: PubMed 24728327.

NM_001386298.1(CIC):c.5045C>T (p.Pro1682Leu)

Gene: CIC (capicua transcriptional repressor; plus strand). Cytogenetic location: 19q13.2.
Variant type: single nucleotide variant.
Coding change: c.5045C>T on transcript NM_001386298.1 (MANE Select); coding-DNA position 5045, C replaced by T.
Protein change: p.Pro1682Leu; replaces proline 1682 with leucine.
Molecular consequence: missense variant.
Genome position (GRCh38, 1-based): chr19:42,291,086, C>T. VCF-style: chr19-42291086-C-T. GRCh37 (hg19) VCF-style: chr19-42795238-C-T.
Other names: c.5045C>T, p.Pro1682Leu (NM_001304815.2, NM_001379480.1, NM_001379482.1); c.2318C>T, p.Pro773Leu (NM_001379484.1, NM_001379485.1, NM_015125.5); short protein forms P773L, P1682L.
Identifiers: ClinVar variation 133899 (VCV000133899.1), dbSNP rs587778198, ClinGen allele CA158116.
Genomic context (GRCh38, chr19:42,291,086, plus strand): 5'-TGGGGAAGGCGCCTGCCACTGTCACTAACCTACTGGTGGGCACCCCGGGGTATGGGGCCC[C>T]TGCGCCCCCTGCTGTCCAGTTCATTGCCCAGGGGGCCCCTGGTGGTGGGACCACTGCGGG-3'
Protein context (NP_001373227.1, residues 1672-1692): LLVGTPGYGA[Pro1682Leu]APPAVQFIAQ